The following is an entry in ClinVar:

ClinVar aggregate classification (germline): Likely benign (1 of 4 stars; one submission).

Allele frequency attached by ClinVar (database versions not stated): gnomAD 0.00003 and 0.00033; TOPMed 0.00006; gnomAD exomes 0.00050 and 0.00107; ExAC 0.00129; 1000 Genomes Project 30x 0.00250; 1000 Genomes Project 0.00280.
gnomAD v4.1: 778 of 1,613,232 alleles (0.048%); highest among the groups gnomAD compares: South Asian, 0.81%; 12 homozygotes.

Submission:

CeGaT Center for Human Genetics Tuebingen
Classification: Likely benign. Last evaluated: 2025-07-01. Review status: criteria provided, single submitter. Criteria: CeGaT Center For Human Genetics Tuebingen Variant Classification Criteria Version 2. Collection method: clinical testing. Allele origin: germline. Affected: yes. Observed: 3 variant alleles.
Comment: BRPF1: BP4, BP7

NM_001003694.2(BRPF1):c.2340G>A (p.Leu780=)

Gene: BRPF1 (bromodomain and PHD finger containing 1; plus strand). Cytogenetic location: 3p25.3.
Variant type: single nucleotide variant.
Coding change: c.2340G>A on transcript NM_001003694.2 (MANE Select); coding-DNA position 2340, G replaced by A.
Protein change: p.Leu780=; no amino-acid change (leucine 780 retained).
Molecular consequence: synonymous variant. On other transcripts: non-coding transcript variant (1).
Genome position (GRCh38, 1-based): chr3:9,743,606, G>A. VCF-style: chr3-9743606-G-A. GRCh37 (hg19) VCF-style: chr3-9785290-G-A.
Other names: c.2322G>A, p.Leu774= (NM_001319049.2, NM_004634.3); c.2319G>A, p.Leu773= (NM_001319050.2); c.2337G>A, p.Leu779= (NM_001410704.1).
Identifiers: ClinVar variation 1701450 (VCV001701450.31), dbSNP rs548909511, ClinGen allele CA2242095.
Genomic context (GRCh38, chr3:9,743,606, plus strand): 5'-GTCTGACCTTTCCCCTCCAACCCTACCCCTAGCAGCCGAGGAAGAGCGGCTGGTCTTGCT[G>A]GAGAACCAGAAGCACCTGCCAGTGGAAGAACAGCTAAAGCTGCTTCTGGAGCGGCTGGAC-3'
Protein context (NP_001003694.1, residues 770-790): DAAEEERLVL[Leu780=]ENQKHLPVEE